The following is an entry in ClinVar:

ClinVar aggregate classification (germline): Benign/Likely benign. Review status: criteria provided, multiple submitters, no conflicts (2 of 4 stars). 3 submissions from 3 submitters: Benign (1); Likely benign (2). Last evaluated 2025-11-10.

Conditions:
Inborn genetic diseases. Identifiers: MedGen C0950123, MeSH D030342.
Thrombocytopenia 2 (THC2). Also called: ANKRD26-Related Thrombocytopenia. Identifiers: Orphanet 268322, MedGen C1861185, MONDO:0008555, OMIM 188000.

Allele frequency attached by ClinVar (database versions not stated): gnomAD exomes 0.00002 and 0.00003; gnomAD 0.00003 and 0.00004; ExAC 0.00004; TOPMed 0.00007; 1000 Genomes Project 30x 0.00016; 1000 Genomes Project 0.00020.
gnomAD v4.1: 44 of 1,613,406 alleles (0.0027%); highest among the groups gnomAD compares: East Asian, 0.029%; no homozygotes.

Submissions (3):

Labcorp Genetics (formerly Invitae), Labcorp
Classification: Likely benign. Last evaluated: 2025-11-10. Review status: criteria provided, single submitter. Criteria: Invitae Variant Classification Sherloc (09022015). Collection method: clinical testing. Allele origin: germline.

Ambry Genetics
Classification: Likely benign for Inborn genetic diseases. Last evaluated: 2024-12-15. Review status: criteria provided, single submitter. Criteria: Ambry Variant Classification Scheme 2023. Collection method: clinical testing. Allele origin: germline.

Illumina Laboratory Services, Illumina
Classification: Benign for Thrombocytopenia 2. Last evaluated: 2018-01-12. Review status: criteria provided, single submitter. Criteria: ICSL Variant Classification Criteria 13 December 2019. Collection method: clinical testing. Allele origin: germline.
Comment: This variant was observed in the ICSL laboratory as part of a predisposition screen in an ostensibly healthy population. It had not been previously curated by ICSL or reported in the Human Gene Mutation Database (HGMD: prior to June 1st, 2018), and was therefore a candidate for classification through an automated scoring system. Utilizing variant allele frequency, disease prevalence and penetrance estimates, and inheritance mode, an automated score was calculated to assess if this variant is too frequent to cause the disease. Based on the score and internal cut-off values, a variant classified as benign is not then subjected to further curation. The score for this variant resulted in a classification of benign for this disease.

NM_014915.3(ANKRD26):c.4497A>G (p.Leu1499=)

Gene: ANKRD26 (ankyrin repeat domain 26; minus strand). Cytogenetic location: 10p12.1.
Variant type: single nucleotide variant.
Coding change: c.4497A>G on transcript NM_014915.3 (MANE Select); coding-DNA position 4497, A replaced by G.
Protein change: p.Leu1499=; no amino-acid change (leucine 1499 retained).
Molecular consequence: synonymous variant.
Genome position (GRCh38, 1-based): chr10:27,017,511, T>C on the plus strand (A>G on the coding strand, the complement: ANKRD26 is on the minus strand). VCF-style: chr10-27017511-T-C. GRCh37 (hg19) VCF-style: chr10-27306440-T-C.
Other names: c.4494A>G, p.Leu1498= (NM_001256053.2).
Identifiers: ClinVar variation 299729 (VCV000299729.10), dbSNP rs558881577, ClinGen allele CA5447783.
Genomic context (GRCh38, chr10:27,017,511, plus strand): 5'-AAAATACAATTTGCAGTGAAATGAACAAAGGCACACTACACATAAGCTAACCTGTAAAAA[T>C]AGATTGACTTCTTTTAATTTTTCTGCTATTTCCTGTCTTGCTCTTTCTTCAATCTCCTGT-3'
Protein context (NP_055730.2, residues 1489-1509): EIAEKLKEVN[Leu1499=]FLQAQAASQE